The following is an entry in ClinVar:

NM_001367916.1(MAGT1):c.972A>C (p.Lys324Asn)

Gene: MAGT1 (magnesium transporter 1; minus strand). Cytogenetic location: Xq21.1.
Variant type: single nucleotide variant.
Coding change: c.972A>C on transcript NM_001367916.1 (MANE Select); coding-DNA position 972, A replaced by C.
Protein change: p.Lys324Asn; replaces lysine 324 with asparagine.
Molecular consequence: missense variant.
Genome position (GRCh38, 1-based): chrX:77,830,825, T>G on the plus strand (A>C on the coding strand, the complement: MAGT1 is on the minus strand). VCF-style: chrX-77830825-T-G. GRCh37 (hg19) VCF-style: chrX-77086322-T-G.
Other names: c.1068A>C, p.Lys356Asn (LRG_353t1, NM_032121.5); short protein forms K356N, K324N.
Identifiers: ClinVar variation 625836 (VCV000625836.3), dbSNP rs373260156, ClinGen allele CA413709839.

ClinVar aggregate classification (germline): Pathogenic. Review status: criteria provided, single submitter (1 of 4 stars). 2 submissions from 2 submitters: Pathogenic (1). 1 of the submissions does not count toward it. Last evaluated 2018-07-01.

Conditions:
Congenital disorder of glycosylation, type ICC. Identifiers: MedGen C5231393, MONDO:0026729, OMIM 301031.
Congenital disorder of glycosylation (CDG). Also called: Carbohydrate-deficient glycoprotein syndrome; Congenital disorders of glycosylation. Identifiers: Orphanet 137, MedGen C0282577, MONDO:0015286.

Submissions (2):

Center for Human Genetics, University of Leuven
Classification: Pathogenic for MAGT1-CDG. Last evaluated: 2018-07-01. Review status: criteria provided, single submitter. Criteria: ACMG Guidelines, 2015. Collection method: clinical testing, research. Allele origin: maternal. Inheritance: X-linked inheritance. Affected: yes. Observed: 1 hemizygote.
Comment: Functional assays were performed to assess the functionality of the protein

OMIM
Classification: Pathogenic for CONGENITAL DISORDER OF GLYCOSYLATION, TYPE Icc. Last evaluated: 2019-09-09. Review status: no assertion criteria provided. Collection method: literature only. Allele origin: germline. Not counted in ClinVar's aggregate classification.

Literature cited by the submitters: PubMed 31036665 (cited by OMIM).